The following is an entry in ClinVar:

NM_153717.3(EVC):c.482del (p.Leu161fs)

Gene: EVC (EvC ciliary complex subunit 1; plus strand). Cytogenetic location: 4p16.2.
Variant type: Deletion.
Coding change: c.482del on transcript NM_153717.3 (MANE Select); coding-DNA position 482, one base deleted (T; older notation c.482delT).
Protein change: p.Leu161fs; shifts the reading frame from leucine 161.
Molecular consequence: frameshift variant.
Genome position (GRCh38, 1-based): chr4:5,731,522, T deleted. VCF-style (leftmost placement, unchanged base first): chr4-5731521-CT-C. GRCh37 (hg19) VCF-style: chr4-5733248-CT-C.
Other names: c.482del, p.Leu161fs (NM_001306090.2, NM_001306092.2); short protein forms L161fs.
Identifiers: ClinVar variation 4816941 (VCV004816941.1).

ClinVar aggregate classification (germline): Likely pathogenic (1 of 4 stars; one submission).

Conditions:
Ellis-van Creveld syndrome (EVC). Also called: Chondroectodermal dysplasia; EVC-Related Ellis-van Creveld Syndrome; EVC2-Related Ellis-van Creveld Syndrome; MESOECTODERMAL DYSPLASIA. Identifiers: Orphanet 289, MedGen C0013903, MONDO:0009162, OMIM 225500.

Submission:

Natera, Inc.
Classification: Likely pathogenic for Ellis-van Creveld syndrome. Last evaluated: 2025-09-28. Review status: criteria provided, single submitter. Criteria: Natera Variant Classification Schema (03/2026). Collection method: clinical testing. Allele origin: germline.
Comment: The c.482del variant in EVC is a frameshift variant predicted to shift the reading frame beginning at codon 161 and leads to a stop codon 4 codons downstream. This variant is expected to result in nonsense mediated decay, truncation, or a dysfunctional protein product. This variant is rare in the general population with a frequency below the threshold expected for the associated phenotype(s). Given the available evidence, this variant is classified as Likely Pathogenic.